The following is an entry in ClinVar:

ClinVar aggregate classification (germline): Uncertain significance (1 of 4 stars; one submission).

Allele frequency attached by ClinVar (database versions not stated): gnomAD exomes below 0.00001.
gnomAD v4.1: 1 of 1,613,980 alleles (0.000062%); highest among the groups gnomAD compares: South Asian, 0.0011%; no homozygotes.

Submission:

Labcorp Genetics (formerly Invitae), Labcorp
Classification: Uncertain significance. Last evaluated: 2023-08-04. Review status: criteria provided, single submitter. Criteria: Invitae Variant Classification Sherloc (09022015). Collection method: clinical testing. Allele origin: germline.
Comment: This sequence change falls in intron 14 of the LCT gene. It does not directly change the encoded amino acid sequence of the LCT protein. It affects a nucleotide within the consensus splice site. This variant is present in population databases (no rsID available, gnomAD 0.003%). This variant has not been reported in the literature in individuals affected with LCT-related conditions. ClinVar contains an entry for this variant (Variation ID: 1424083). Variants that disrupt the consensus splice site are a relatively common cause of aberrant splicing (PMID: 17576681, 9536098). Algorithms developed to predict the effect of sequence changes on RNA splicing suggest that this variant is not likely to affect RNA splicing. In summary, the available evidence is currently insufficient to determine the role of this variant in disease. Therefore, it has been classified as a Variant of Uncertain Significance.

Literature cited by the submitters: PubMed 17576681; PubMed 9536098.

NM_002299.4(LCT):c.5111+4A>G

Gene: LCT (lactase; minus strand). Cytogenetic location: 2q21.3.
Variant type: single nucleotide variant.
Coding change: c.5111+4A>G on transcript NM_002299.4 (MANE Select); 4 bases into the intron after coding-DNA position 5111, A replaced by G.
Molecular consequence: intron variant.
Genome position (GRCh38, 1-based): chr2:135,794,637, T>C on the plus strand (A>G on the coding strand, the complement: LCT is on the minus strand). VCF-style: chr2-135794637-T-C. GRCh37 (hg19) VCF-style: chr2-136552207-T-C.
Identifiers: ClinVar variation 1424083 (VCV001424083.6), dbSNP rs1270867352, ClinGen allele CA536393697.